The following is an entry in ClinVar:

NM_001134363.3(RBM20):c.1940C>T (p.Ser647Phe)

Gene: RBM20 (RNA binding motif protein 20; plus strand). Cytogenetic location: 10q25.2.
Variant type: single nucleotide variant.
Coding change: c.1940C>T on transcript NM_001134363.3 (MANE Select); coding-DNA position 1940, C replaced by T.
Protein change: p.Ser647Phe; replaces serine 647 with phenylalanine.
Molecular consequence: missense variant.
Genome position (GRCh38, 1-based): chr10:110,812,337, C>T. VCF-style: chr10-110812337-C-T. GRCh37 (hg19) VCF-style: chr10-112572095-C-T.
Other names: short protein forms S647F.
Identifiers: ClinVar variation 2961612 (VCV002961612.4), dbSNP rs2493473035, ClinGen allele CA378370446.

ClinVar aggregate classification (germline): Uncertain significance. Review status: criteria provided, multiple submitters, no conflicts (2 of 4 stars). 2 submissions from 2 submitters: Uncertain significance (2). Last evaluated 2024-05-02.

Conditions:
Dilated cardiomyopathy 1DD (CMD1DD). Identifiers: Orphanet 154, MedGen C2750995, MONDO:0013168, OMIM 613172.

Allele frequency attached by ClinVar (database versions not stated): gnomAD exomes below 0.00001.
gnomAD v4.1: 3 of 1,551,544 alleles (0.00019%); highest among the groups gnomAD compares: Non-Finnish European, 0.00026%; no homozygotes.

Submissions (2):

Labcorp Genetics (formerly Invitae), Labcorp
Classification: Uncertain significance for Dilated cardiomyopathy 1DD. Last evaluated: 2024-05-02. Review status: criteria provided, single submitter. Criteria: Invitae Variant Classification Sherloc (09022015). Collection method: clinical testing. Allele origin: germline.
Comment: This sequence change replaces serine, which is neutral and polar, with phenylalanine, which is neutral and non-polar, at codon 647 of the RBM20 protein (p.Ser647Phe). This variant is not present in population databases (gnomAD no frequency). This variant has not been reported in the literature in individuals affected with RBM20-related conditions. Advanced modeling of protein sequence and biophysical properties (such as structural, functional, and spatial information, amino acid conservation, physicochemical variation, residue mobility, and thermodynamic stability) performed at Invitae indicates that this missense variant is not expected to disrupt RBM20 protein function with a negative predictive value of 95%. In summary, the available evidence is currently insufficient to determine the role of this variant in disease. Therefore, it has been classified as a Variant of Uncertain Significance.

GeneDx
Classification: Uncertain significance. Last evaluated: 2024-02-14. Review status: criteria provided, single submitter. Criteria: GeneDx Variant Classification Process June 2021. Collection method: clinical testing. Allele origin: germline. Affected: yes.
Comment: Not observed at significant frequency in large population cohorts (gnomAD); In silico analysis supports that this missense variant does not alter protein structure/function; Has not been previously published as pathogenic or benign to our knowledge